The following is an entry in ClinVar:

NM_000553.6(WRN):c.2736C>T (p.Ile912=)

Gene: WRN (WRN RecQ like helicase; plus strand). Cytogenetic location: 8p12.
Variant type: single nucleotide variant.
Coding change: c.2736C>T on transcript NM_000553.6 (MANE Select); coding-DNA position 2736, C replaced by T.
Protein change: p.Ile912=; no amino-acid change (isoleucine 912 retained).
Molecular consequence: synonymous variant.
Genome position (GRCh38, 1-based): chr8:31,124,911, C>T. VCF-style: chr8-31124911-C-T. GRCh37 (hg19) VCF-style: chr8-30982427-C-T.
Identifiers: ClinVar variation 3001883 (VCV003001883.3), dbSNP rs2130344347, ClinGen allele CA460219692.

ClinVar aggregate classification (germline): Uncertain significance (1 of 4 stars; one submission).

Conditions:
Werner syndrome (WRN). Identifiers: Orphanet 902, MedGen C0043119, MONDO:0010196, OMIM 277700.

Submission:

Labcorp Genetics (formerly Invitae), Labcorp
Classification: Uncertain significance for Werner syndrome. Last evaluated: 2023-05-17. Review status: criteria provided, single submitter. Criteria: Invitae Variant Classification Sherloc (09022015). Collection method: clinical testing. Allele origin: germline.
Comment: In summary, the available evidence is currently insufficient to determine the role of this variant in disease. Therefore, it has been classified as a Variant of Uncertain Significance. Algorithms developed to predict the effect of sequence changes on RNA splicing suggest that this variant may disrupt the consensus splice site. This variant has not been reported in the literature in individuals affected with WRN-related conditions. This variant is not present in population databases (gnomAD no frequency). This sequence change affects codon 912 of the WRN mRNA. It is a 'silent' change, meaning that it does not change the encoded amino acid sequence of the WRN protein.